The following is an entry in ClinVar:

NM_001201543.2(FAM161A):c.122C>T (p.Ala41Val)

Genes: FAM161A (FAM161 centrosomal protein A; minus strand), LOC129933843 (ATAC-STARR-seq lymphoblastoid active region 15839; plus strand). Cytogenetic location: 2p15.
Variant type: single nucleotide variant.
Coding change: c.122C>T on transcript NM_001201543.2 (MANE Select); coding-DNA position 122, C replaced by T.
Protein change: p.Ala41Val; replaces alanine 41 with valine.
Molecular consequence: missense variant. On other transcripts: non-coding transcript variant (1).
Genome position (GRCh38, 1-based): chr2:61,853,920, G>A on the plus strand (C>T on the coding strand, the complement: FAM161A is on the minus strand). VCF-style: chr2-61853920-G-A. GRCh37 (hg19) VCF-style: chr2-62081055-G-A.
Other names: c.122C>T, p.Ala41Val (NM_032180.3); c.122C>T (NM_001201543.1); short protein forms A41V.
Identifiers: ClinVar variation 1014280 (VCV001014280.4), dbSNP rs768878474, ClinGen allele CA1679441.
Genomic context (GRCh38, chr2:61,853,920, plus strand): 5'-GATGCCCCAGCGGGCTGAGCCACTTTCTCCTCCTCTTCGTCCTCCAAGATCGCCTCCGCT[G>A]CCGCCAGGGCCTTTAAGGGGTCTTCGCGTTCGTACTGGGCGACCCGCGCTCCAGTGATGG-3'
Protein context (NP_001188472.1, residues 31-51): EREDPLKALA[Ala41Val]AEAILEDEEE

ClinVar aggregate classification (germline): Uncertain significance. Review status: criteria provided, multiple submitters, no conflicts (2 of 4 stars). 3 submissions from 3 submitters: Uncertain significance (2). 1 of the submissions does not count toward it. Last evaluated 2024-04-01.

Conditions:
Retinitis pigmentosa 28 (RP28). Identifiers: Orphanet 791, MedGen C1419614, MONDO:0011630, OMIM 606068.
Inborn genetic diseases. Identifiers: MedGen C0950123, MeSH D030342.

Allele frequency attached by ClinVar (database versions not stated): TOPMed below 0.00001; gnomAD exomes 0.00002; ExAC 0.00003.
gnomAD v4.1: 11 of 1,613,970 alleles (0.00068%); highest among the groups gnomAD compares: East Asian, 0.025%; no homozygotes.

Submissions (3):

Ambry Genetics
Classification: Uncertain significance for Inborn genetic diseases. Last evaluated: 2024-04-01. Review status: criteria provided, single submitter. Criteria: Ambry Variant Classification Scheme 2023. Collection method: clinical testing. Allele origin: germline.

Labcorp Genetics (formerly Invitae), Labcorp
Classification: Uncertain significance. Last evaluated: 2022-03-10. Review status: criteria provided, single submitter. Criteria: Invitae Variant Classification Sherloc (09022015). Collection method: clinical testing. Allele origin: germline.
Comment: This sequence change replaces alanine, which is neutral and non-polar, with valine, which is neutral and non-polar, at codon 41 of the FAM161A protein (p.Ala41Val). This variant is present in population databases (rs768878474, gnomAD 0.02%). This variant has not been reported in the literature in individuals affected with FAM161A-related conditions. ClinVar contains an entry for this variant (Variation ID: 1014280). Algorithms developed to predict the effect of missense changes on protein structure and function (SIFT, PolyPhen-2, Align-GVGD) all suggest that this variant is likely to be tolerated. Algorithms developed to predict the effect of sequence changes on RNA splicing suggest that this variant may create or strengthen a splice site. In summary, the available evidence is currently insufficient to determine the role of this variant in disease. Therefore, it has been classified as a Variant of Uncertain Significance.

Natera, Inc.
Classification: Uncertain significance for Retinitis pigmentosa type 28. Last evaluated: 2020-09-08. Review status: no assertion criteria provided. Collection method: clinical testing. Allele origin: germline. Not counted in ClinVar's aggregate classification.